The following is an entry in ClinVar:

ClinVar aggregate classification (germline): Uncertain significance (1 of 4 stars; one submission).

Submission:

GeneDx
Classification: Uncertain significance. Last evaluated: 2016-03-11. Review status: criteria provided, single submitter. Criteria: GeneDx Variant Classification (06012015). Collection method: clinical testing. Allele origin: germline. Affected: yes.
Comment: The A684T variant in the CEP152 gene has not been reported previously as a pathogenic variant, nor as a benign variant, to our knowledge. The A684T variant was not observed in approximately 6100 individuals of European and African American ancestry in the NHLBI Exome Sequencing Project, indicating it is not a common benign variant in these populations. The A684T variant is a non-conservative amino acid substitution, which is likely to impact secondary protein structure as these residues differ in polarity, charge, size and/or other properties. This substitution occurs at a position that is conserved in mammals. In silico analysis is inconsistent in its predictions as to whether or not the variant is damaging to the protein structure/function. We interpret A684T as a variant of uncertain significance.

NM_001194998.2(CEP152):c.2050G>A (p.Ala684Thr)

Gene: CEP152 (centrosomal protein 152; minus strand). Cytogenetic location: 15q21.1.
Variant type: single nucleotide variant.
Coding change: c.2050G>A on transcript NM_001194998.2 (MANE Select); coding-DNA position 2050, G replaced by A.
Protein change: p.Ala684Thr; replaces alanine 684 with threonine.
Molecular consequence: missense variant.
Genome position (GRCh38, 1-based): chr15:48,767,432, C>T on the plus strand (G>A on the coding strand, the complement: CEP152 is on the minus strand). VCF-style: chr15-48767432-C-T. GRCh37 (hg19) VCF-style: chr15-49059629-C-T.
Other names: c.2050G>A, p.Ala684Thr (NM_014985.4); short protein forms A684T.
Identifiers: ClinVar variation 420623 (VCV000420623.2), dbSNP rs1064794594, ClinGen allele CA16619979.